The following is an entry in ClinVar:

ClinVar aggregate classification (germline): Uncertain significance. Review status: criteria provided, multiple submitters, no conflicts (2 of 4 stars). 2 submissions from 2 submitters: Uncertain significance (2). Last evaluated 2022-01-08.

Conditions:
Nephrolithiasis/nephrocalcinosis. Identifiers: MedGen CN580796.
Familial hypocalciuric hypercalcemia (FHH). Also called: Familial benign hypercalcemia. Identifiers: Orphanet 405, MedGen C1809471, MONDO:0018458.
Autosomal dominant hypocalcemia 1 (HYPOC1). Also called: HYPOCALCEMIA, FAMILIAL. Identifiers: MedGen C3715128, MONDO:0011013, OMIM 601198.

Allele frequency attached by ClinVar (database versions not stated): gnomAD exomes below 0.00001.
gnomAD v4.1: 4 of 1,614,110 alleles (0.00025%); highest among the groups gnomAD compares: Non-Finnish European, 0.00034%; no homozygotes.

Submissions (2):

Ambry Genetics
Classification: Uncertain significance for Nephrolithiasis/nephrocalcinosis. Last evaluated: 2022-01-08. Review status: criteria provided, single submitter. Criteria: Ambry Variant Classification Scheme 2023. Collection method: clinical testing. Allele origin: germline.
Comment: The p.F505L variant (also known as c.1513T>C), located in coding exon 4 of the CASR gene, results from a T to C substitution at nucleotide position 1513. The phenylalanine at codon 505 is replaced by leucine, an amino acid with highly similar properties. This amino acid position is conserved. In addition, this alteration is predicted to be deleterious by in silico analysis. Since supporting evidence is limited at this time, the clinical significance of this alteration remains unclear.

Labcorp Genetics (formerly Invitae), Labcorp
Classification: Uncertain significance for Familial hypocalciuric hypercalcemia; Autosomal dominant hypocalcemia 1. Last evaluated: 2021-05-26. Review status: criteria provided, single submitter. Criteria: Invitae Variant Classification Sherloc (09022015). Collection method: clinical testing. Allele origin: germline.
Comment: In summary, the available evidence is currently insufficient to determine the role of this variant in disease. Therefore, it has been classified as a Variant of Uncertain Significance. Algorithms developed to predict the effect of missense changes on protein structure and function are either unavailable or do not agree on the potential impact of this missense change (SIFT: "Deleterious"; PolyPhen-2: "Possibly Damaging"; Align-GVGD: "Class C15"). This variant has not been reported in the literature in individuals with CASR-related conditions. This variant is not present in population databases (ExAC no frequency). This sequence change replaces phenylalanine with leucine at codon 505 of the CASR protein (p.Phe505Leu). The phenylalanine residue is highly conserved and there is a small physicochemical difference between phenylalanine and leucine.

NM_000388.4(CASR):c.1513T>C (p.Phe505Leu)

Gene: CASR (calcium sensing receptor; plus strand). Cytogenetic location: 3q21.1.
Variant type: single nucleotide variant.
Coding change: c.1513T>C on transcript NM_000388.4 (MANE Select); coding-DNA position 1513, T replaced by C.
Protein change: p.Phe505Leu; replaces phenylalanine 505 with leucine.
Molecular consequence: missense variant.
Genome position (GRCh38, 1-based): chr3:122,275,947, T>C. VCF-style: chr3-122275947-T-C. GRCh37 (hg19) VCF-style: chr3-121994794-T-C.
Other names: c.1513T>C, p.Phe505Leu (NM_001178065.2); short protein forms F505L.
Identifiers: ClinVar variation 1373114 (VCV001373114.10), dbSNP rs2107643628, ClinGen allele CA354155259.